The following is an entry in ClinVar:

NM_020964.3(EPG5):c.3481C>T (p.Arg1161Ter)

Gene: EPG5 (ectopic P-granules 5 autophagy tethering factor; minus strand). Cytogenetic location: 18q21.1.
Variant type: single nucleotide variant.
Coding change: c.3481C>T on transcript NM_020964.3 (MANE Select); coding-DNA position 3481, C replaced by T.
Protein change: p.Arg1161Ter; replaces arginine 1161 with a stop codon.
Molecular consequence: nonsense.
Genome position (GRCh38, 1-based): chr18:45,916,110, G>A on the plus strand (C>T on the coding strand, the complement: EPG5 is on the minus strand). VCF-style: chr18-45916110-G-A. GRCh37 (hg19) VCF-style: chr18-43496075-G-A.
Other names: c.3481C>T, p.Arg1161Ter (LRG_1234t1); short protein forms R1161*.
Identifiers: ClinVar variation 39982 (VCV000039982.10), dbSNP rs587776940, ClinGen allele CA214398.

ClinVar aggregate classification (germline): Pathogenic. Review status: criteria provided, multiple submitters, no conflicts (2 of 4 stars). 4 submissions from 4 submitters: Pathogenic (2). 2 of the submissions do not count toward it. Last evaluated 2024-01-19.

Conditions:
EPG5-related disorder. Also called: EPG5-related condition. Identifiers: MedGen CN381528.
Vici syndrome (VICIS). Identifiers: Orphanet 1493, MedGen C1855772, MONDO:0009452, OMIM 242840.

Allele frequency attached by ClinVar (database versions not stated): TOPMed 0.00001.
gnomAD v4.1: 13 of 1,614,088 alleles (0.00081%); highest among the groups gnomAD compares: Non-Finnish European, 0.0011%; no homozygotes.

Submissions (4):

Labcorp Genetics (formerly Invitae), Labcorp
Classification: Pathogenic for Vici syndrome. Last evaluated: 2024-01-19. Review status: criteria provided, single submitter. Criteria: Invitae Variant Classification Sherloc (09022015). Collection method: clinical testing. Allele origin: germline.
Comment: This sequence change creates a premature translational stop signal (p.Arg1161*) in the EPG5 gene. It is expected to result in an absent or disrupted protein product. Loss-of-function variants in EPG5 are known to be pathogenic (PMID: 23222957, 23674064). This variant is present in population databases (rs587776940, gnomAD 0.0009%). This premature translational stop signal has been observed in individual(s) with Vici syndrome (PMID: 23222957). It has also been observed to segregate with disease in related individuals. ClinVar contains an entry for this variant (Variation ID: 39982). For these reasons, this variant has been classified as Pathogenic.

SIB Swiss Institute of Bioinformatics
Classification: Pathogenic for Vici syndrome. Last evaluated: 2019-01-17. Review status: criteria provided, single submitter. Criteria: ACMG Guidelines, 2015. Collection method: curation. Allele origin: unknown.
Comment: This variant is interpreted as a Pathogenic for Vici syndrome, autosomal recessive. The following ACMG Tag(s) were applied: PM2 => Absent from controls (or at extremely low frequency if recessive) in Exome Sequencing Project, 1000 Genomes Project, or Exome Aggregation Consortium. PVS1 => Predicted nullvariant in a gene where LOF is a known mechanism of disease. PM3 => For recessive disorders, detected in trans with a pathogenic variant (PMID:26917586).

ClinGen:CA214398

PreventionGenetics, part of Exact Sciences
Classification: Pathogenic for EPG5-related condition. Last evaluated: 2024-01-02. Review status: no assertion criteria provided. Collection method: clinical testing. Allele origin: germline. Not counted in ClinVar's aggregate classification.
Comment: The EPG5 c.3481C>T variant is predicted to result in premature protein termination (p.Arg1161*). This variant has been reported in the apparently homozygous state in one individual with Vici syndrome (Table 1, Cullup T et al. 2012. PubMed ID: 23222957; Table 1, Byrne S et al. 2016. PubMed ID: 26917586). This variant is reported in 0.0018% of alleles in individuals of European (Non-Finnish) descent in gnomAD. Nonsense variants in EPG5 are expected to be pathogenic. This variant is interpreted as pathogenic.

OMIM
Classification: Pathogenic for VICI SYNDROME. Last evaluated: 2013-01-01. Review status: no assertion criteria provided. Collection method: literature only. Allele origin: germline. Not counted in ClinVar's aggregate classification.

Literature cited by the submitters: PubMed 23222957 (cited by 3 submitters); PubMed 23674064 (cited by Labcorp Genetics (formerly Invitae), Labcorp); PubMed 26917586 (cited by SIB Swiss Institute of Bioinformatics).